The following is an entry in ClinVar:

ClinVar aggregate classification (germline): Conflicting classifications of pathogenicity. Review status: criteria provided, conflicting classifications (1 of 4 stars). 11 submissions from 11 submitters: Uncertain significance (2); Benign (1); Likely benign (7). 1 of the submissions does not count toward it. Last evaluated 2026-01-26.

Conditions:
TTN-related disorder. Also called: TTN-related condition; TTN-related disease; TTN-related disorders.
Cardiovascular phenotype. Identifiers: MedGen CN230736.
Dilated cardiomyopathy 1G (CMD1G). Identifiers: Orphanet 154, MedGen C1858763, MONDO:0011400, OMIM 604145.
Autosomal recessive limb-girdle muscular dystrophy type 2J (LGMDR10). Also called: Limb-girdle muscular dystrophy, type 2J; MUSCULAR DYSTROPHY, LIMB-GIRDLE, AUTOSOMAL RECESSIVE 10. Identifiers: Orphanet 140922, MedGen C1837342, MONDO:0012127, OMIM 608807.

Allele frequency attached by ClinVar (database versions not stated): gnomAD exomes 0.00011; ExAC 0.00013; 1000 Genomes Project 0.00060; gnomAD 0.00074 and 0.00083; ESP Exome Variant Server 0.00075; TOPMed 0.00085; 1000 Genomes Project 30x 0.00094.
gnomAD v4.1: 193 of 1,613,456 alleles (0.012%); highest among the groups gnomAD compares: African/African-American, 0.25%; no homozygotes.

Submissions (11):

Labcorp Genetics (formerly Invitae), Labcorp
Classification: Likely benign for Dilated cardiomyopathy 1G; Autosomal recessive limb-girdle muscular dystrophy type 2J. Last evaluated: 2026-01-26. Review status: criteria provided, single submitter. Criteria: Invitae Variant Classification Sherloc (09022015). Collection method: clinical testing. Allele origin: germline.

Molecular Diagnostic Laboratory for Inherited Cardiovascular Disease, Montreal Heart Institute
Classification: Likely benign. Last evaluated: 2025-04-09. Review status: criteria provided, single submitter. Criteria: ACMG Guidelines, 2015. Collection method: clinical testing. Allele origin: germline. Affected: no.

Blueprint Genetics
Classification: Likely benign. Last evaluated: 2024-02-13. Review status: criteria provided, single submitter. Criteria: ACMG Guidelines, 2015. Collection method: clinical testing. Allele origin: germline.

CeGaT Center for Human Genetics Tuebingen
Classification: Likely benign. Last evaluated: 2023-07-01. Review status: criteria provided, single submitter. Criteria: CeGaT Center For Human Genetics Tuebingen Variant Classification Criteria Version 2. Collection method: clinical testing. Allele origin: germline. Affected: yes. Observed: 2 variant alleles.
Comment: TTN: BP4

GeneDx
Classification: Likely benign. Last evaluated: 2021-04-29. Review status: criteria provided, single submitter. Criteria: GeneDx Variant Classification Process June 2021. Collection method: clinical testing. Allele origin: germline. Affected: yes.
Comment: This variant is associated with the following publications: (PMID: 23861362)

Women's Health and Genetics/Laboratory Corporation of America, LabCorp
Classification: Benign. Last evaluated: 2020-09-25. Review status: criteria provided, single submitter. Criteria: LabCorp Variant Classification Summary - May 2015. Collection method: clinical testing. Allele origin: germline.
Comment: Variant summary: TTN c.51614A>G (p.Glu17205Gly) results in a non-conservative amino acid change located in the A-band region of the encoded protein sequence. Three of five in-silico tools predict a benign effect of the variant on protein function. The variant allele was found at a frequency of 0.00022 in 279750 control chromosomes, predominantly at a frequency of 0.0026 within the African or African-American subpopulation in the gnomAD database. The observed variant frequency within African or African-American control individuals in the gnomAD database is approximately 6.5-fold of the estimated maximal expected allele frequency for a pathogenic variant in TTN causing Dilated Cardiomyopathy phenotype (0.00039), strongly suggesting that the variant is a benign polymorphism found primarily in populations of African or African-American origin. To our knowledge, no occurrence of c.51614A>G in individuals affected with Dilated Cardiomyopathy and no experimental evidence demonstrating its impact on protein function have been reported. Four clinical diagnostic laboratories have submitted clinical-significance assessments for this variant to ClinVar after 2014 without evidence for independent evaluation, and classified the variant as likely benign (2x), or VUS (2x). Based on the evidence outlined above, the variant was classified as benign.

Ambry Genetics
Classification: Likely benign for Cardiovascular phenotype. Last evaluated: 2019-03-04. Review status: criteria provided, single submitter. Criteria: Ambry Variant Classification Scheme 2023. Collection method: clinical testing. Allele origin: germline.

Eurofins Ntd Llc (ga)
Classification: Uncertain significance. Last evaluated: 2015-07-31. Review status: criteria provided, single submitter. Criteria: EGL Classification Definitions 2015. Collection method: clinical testing. Allele origin: germline. Observed: 4 variant alleles, 4 heterozygotes.

Laboratory for Molecular Medicine, Mass General Brigham Personalized Medicine
Classification: Uncertain significance. Last evaluated: 2014-06-18. Review status: criteria provided, single submitter. Criteria: LMM Criteria. Collection method: clinical testing. Allele origin: germline. Observed: 3 variant alleles.
Comment: Variant classified as Uncertain Significance - Favor Benign. This variant has also been identified in 0.2% (9/ 3840) of African American chromosomes by the NHLBI Exome Sequencing Project (dbSNP rs371719028). Computational prediction too ls and conservation analysis do not provide strong support for or against an imp act to the protein. In summary, while the clinical significance of the Glu17205G ly variant is uncertain, its frequency suggests that it is more likely to be ben ign.

Biesecker Lab/Clinical Genomics Section, National Institutes of Health
Classification: Likely benign. Last evaluated: 2013-06-24. Review status: criteria provided, single submitter. Criteria: Ng et al. (Circ Cardiovasc Genet. 2013). Collection method: research. Allele origin: unknown. Observed: 1 variant allele. Study: ClinSeq.
Comment: The study set was not selected for affection status in relation to any cancer. Pathogenicity categories were based on literature curation. See Pubmed ID:23861362 for details.

Medical sequencing

PreventionGenetics, part of Exact Sciences
Classification: Likely benign for TTN-related condition. Last evaluated: 2024-02-05. Review status: no assertion criteria provided. Collection method: clinical testing. Allele origin: germline. Not counted in ClinVar's aggregate classification.
Comment: This variant is classified as likely benign based on ACMG/AMP sequence variant interpretation guidelines (Richards et al. 2015 PMID: 25741868, with internal and published modifications).

Literature cited by the submitters: PubMed 23861362 (cited by Women's Health and Genetics/Laboratory Corporation of America, LabCorp and Ambry Genetics).

NM_001267550.2(TTN):c.59318A>G (p.Glu19773Gly)

Genes: TTN (titin; minus strand), TTN-AS1 (TTN antisense RNA 1; plus strand), LOC126806424 (CDK7 strongly-dependent group 2 enhancer GRCh37_chr2:179456337-179457536; plus strand). Cytogenetic location: 2q31.2.
Variant type: single nucleotide variant.
Coding change: c.59318A>G on transcript NM_001267550.2 (MANE Select); coding-DNA position 59318, A replaced by G.
Protein change: p.Glu19773Gly; replaces glutamic acid 19773 with glycine.
Molecular consequence: missense variant.
Genome position (GRCh38, 1-based): chr2:178,592,801, T>C on the plus strand (A>G on the coding strand, the complement: TTN is on the minus strand). VCF-style: chr2-178592801-T-C. GRCh37 (hg19) VCF-style: chr2-179457528-T-C.
Other names: p.E18132G:GAG>GGG; c.54395A>G, p.Glu18132Gly (NM_001256850.1); c.51614A>G, p.Glu17205Gly (NM_133378.4); c.32123A>G, p.Glu10708Gly (NM_003319.4); c.32498A>G, p.Glu10833Gly (NM_133432.3); c.32699A>G, p.Glu10900Gly (NM_133437.4); short protein forms E19773G, E17205G, E18132G, E10900G, E10708G, E10833G.
Identifiers: ClinVar variation 47149 (VCV000047149.69), dbSNP rs371719028, ClinGen allele CA140139.